The following is an entry in ClinVar:

NM_000455.5(STK11):c.1277G>C (p.Arg426Pro)

Gene: STK11 (serine/threonine kinase 11; plus strand). Cytogenetic location: 19p13.3.
Variant type: single nucleotide variant.
Coding change: c.1277G>C on transcript NM_000455.5 (MANE Select); coding-DNA position 1277, G replaced by C.
Protein change: p.Arg426Pro; replaces arginine 426 with proline.
Molecular consequence: missense variant.
Genome position (GRCh38, 1-based): chr19:1,226,622, G>C. VCF-style: chr19-1226622-G-C. GRCh37 (hg19) VCF-style: chr19-1226621-G-C.
Other names: short protein forms R426P.
Identifiers: ClinVar variation 237795 (VCV000237795.18), dbSNP rs752699287, ClinGen allele CA10583795.

ClinVar aggregate classification (germline): Uncertain significance. Review status: criteria provided, multiple submitters, no conflicts (2 of 4 stars). 4 submissions from 4 submitters: Uncertain significance (4). Last evaluated 2025-02-10.

Conditions:
Hereditary cancer-predisposing syndrome. Also called: Tumor predisposition; Hereditary Cancer Syndrome; Hereditary neoplastic syndrome; Neoplastic Syndromes, Hereditary. Identifiers: Orphanet 140162, MedGen C0027672, MeSH D009386, MONDO:0015356.
Peutz-Jeghers syndrome (PJS). Also called: POLYPOSIS, HAMARTOMATOUS INTESTINAL; POLYPS-AND-SPOTS SYNDROME; Peutz-Jeghers polyposis; Periorificial lentiginosis syndrome. Identifiers: Orphanet 2869, MedGen C0031269, MeSH D010580, MONDO:0008280, OMIM 175200.

gnomAD v4.1: 3 of 1,547,634 alleles (0.00019%); highest among the groups gnomAD compares: East Asian, 0.0024%; no homozygotes.

Submissions (4):

Labcorp Genetics (formerly Invitae), Labcorp
Classification: Uncertain significance for Peutz-Jeghers syndrome. Last evaluated: 2025-02-10. Review status: criteria provided, single submitter. Criteria: Invitae Variant Classification Sherloc (09022015). Collection method: clinical testing. Allele origin: germline.
Comment: This sequence change replaces arginine, which is basic and polar, with proline, which is neutral and non-polar, at codon 426 of the STK11 protein (p.Arg426Pro). This variant is not present in population databases (gnomAD no frequency). This variant has not been reported in the literature in individuals affected with STK11-related conditions. ClinVar contains an entry for this variant (Variation ID: 237795). Invitae Evidence Modeling of protein sequence and biophysical properties (such as structural, functional, and spatial information, amino acid conservation, physicochemical variation, residue mobility, and thermodynamic stability) indicates that this missense variant is not expected to disrupt STK11 protein function with a negative predictive value of 95%. In summary, the available evidence is currently insufficient to determine the role of this variant in disease. Therefore, it has been classified as a Variant of Uncertain Significance.

Ambry Genetics
Classification: Uncertain significance for Hereditary cancer-predisposing syndrome. Last evaluated: 2022-09-01. Review status: criteria provided, single submitter. Criteria: Ambry Variant Classification Scheme 2023. Collection method: clinical testing. Allele origin: germline.
Comment: The p.R426P variant (also known as c.1277G>C), located in coding exon 9 of the STK11 gene, results from a G to C substitution at nucleotide position 1277. The arginine at codon 426 is replaced by proline, an amino acid with dissimilar properties. This amino acid position is not well conserved in available vertebrate species. In addition, this alteration is predicted to be tolerated by in silico analysis. Since supporting evidence is limited at this time, the clinical significance of this alteration remains unclear.

Genome-Nilou Lab
Classification: Uncertain significance for Peutz-Jeghers syndrome. Last evaluated: 2021-07-15. Review status: criteria provided, single submitter. Criteria: ACMG Guidelines, 2015. Collection method: clinical testing. Allele origin: germline. Affected: no.

Color Diagnostics, LLC DBA Color Health
Classification: Uncertain significance for Hereditary cancer-predisposing syndrome. Last evaluated: 2019-04-11. Review status: criteria provided, single submitter. Criteria: ACMG Guidelines, 2015. Collection method: clinical testing. Allele origin: germline.